The following is an entry in ClinVar:

ClinVar aggregate classification (germline): Uncertain significance. Review status: criteria provided, multiple submitters, no conflicts (2 of 4 stars). 5 submissions from 5 submitters: Uncertain significance (5). Last evaluated 2025-01-21.

Conditions:
Epidermolysis bullosa simplex with nail dystrophy (EBS5D). Identifiers: MedGen C4225309, MONDO:0014661, OMIM 616487.
Epidermolysis bullosa simplex 5C, with pyloric atresia (EBS5C). Also called: PLEC-Related Epidermolysis Bullosa with Pyloric Atresia; Epidermolysis bullosa simplex with pyloric atresia; PLEC1-Related Epidermolysis Bullosa with Pyloric Atresia. Identifiers: Orphanet 158684, MedGen C2677349, MONDO:0012807, OMIM 612138.
Autosomal recessive limb-girdle muscular dystrophy type 2Q (LGMDR17). Also called: MUSCULAR DYSTROPHY, LIMB-GIRDLE, AUTOSOMAL RECESSIVE 17. Identifiers: Orphanet 254361, MedGen C3150989, MONDO:0013390, OMIM 613723.
Epidermolysis bullosa simplex 5B, with muscular dystrophy (EBS5B). Also called: EPIDERMOLYSIS BULLOSA SIMPLEX AND LIMB-GIRDLE MUSCULAR DYSTROPHY; Epidermolysis bullosa simplex with muscular dystrophy. Identifiers: Orphanet 257, MedGen C2931072, MONDO:0009181, OMIM 226670.
Epidermolysis bullosa simplex, Ogna type (EBS5A). Also called: Pidermolysis bullosa simplex 5A, Ogna type; EPIDERMOLYSIS BULLOSA SIMPLEX 5A, OGNA TYPE. Identifiers: Orphanet 79401, MedGen C0432317, MONDO:0007555, OMIM 131950.

Allele frequency attached by ClinVar (database versions not stated): TOPMed 0.00005; gnomAD 0.00006 and 0.00007; ExAC 0.00011; gnomAD exomes 0.00012 and 0.00013; 1000 Genomes Project 0.00040; 1000 Genomes Project 30x 0.00047.
gnomAD v4.1: 178 of 1,613,244 alleles (0.011%); highest among the groups gnomAD compares: East Asian, 0.13%; no homozygotes.

Submissions (5):

GeneDx
Classification: Uncertain significance. Last evaluated: 2025-01-21. Review status: criteria provided, single submitter. Criteria: GeneDx Variant Classification Process June 2021. Collection method: clinical testing. Allele origin: germline. Affected: yes.
Comment: In silico analysis supports that this missense variant has a deleterious effect on protein structure/function; Missense variant in a gene in which most reported pathogenic variants are truncating/loss of function; Reported in cis with a frameshift variant in a patient with epidermolysis bullosa simplex with muscular dystrophy (PMID: 20052759); This variant is associated with the following publications: (PMID: 20052759)

Labcorp Genetics (formerly Invitae), Labcorp
Classification: Uncertain significance for Autosomal recessive limb-girdle muscular dystrophy type 2Q; Epidermolysis bullosa simplex, Ogna type; Epidermolysis bullosa simplex with nail dystrophy; Epidermolysis bullosa simplex 5C, with pyloric atresia; Epidermolysis bullosa simplex 5B, with muscular dystrophy. Last evaluated: 2024-08-13. Review status: criteria provided, single submitter. Criteria: Invitae Variant Classification Sherloc (09022015). Collection method: clinical testing. Allele origin: germline.
Comment: This sequence change replaces arginine, which is basic and polar, with tryptophan, which is neutral and slightly polar, at codon 3485 of the PLEC protein (p.Arg3485Trp). This variant is present in population databases (rs571305150, gnomAD 0.1%). This missense change has been observed in individual(s) with epidermolysis bullosa simplex (PMID: 20052759). ClinVar contains an entry for this variant (Variation ID: 282392). Advanced modeling of protein sequence and biophysical properties (such as structural, functional, and spatial information, amino acid conservation, physicochemical variation, residue mobility, and thermodynamic stability) performed at Invitae indicates that this missense variant is not expected to disrupt PLEC protein function with a negative predictive value of 80%. In summary, the available evidence is currently insufficient to determine the role of this variant in disease. Therefore, it has been classified as a Variant of Uncertain Significance.

Athena Diagnostics
Classification: Uncertain significance. Last evaluated: 2023-10-25. Review status: criteria provided, single submitter. Criteria: Athena Diagnostics Criteria. Collection method: clinical testing. Allele origin: unknown.
Comment: Available data are insufficient to determine the clinical significance of the variant at this time. The frequency of this variant in the general population is higher than would generally be expected for pathogenic variants in this gene. Computational tools disagree on the variant's effect on normal protein function.

Revvity Omics, Revvity
Classification: Uncertain significance. Last evaluated: 2019-02-25. Review status: criteria provided, single submitter. Criteria: ACMG Guidelines, 2015. Collection method: clinical testing. Allele origin: germline.

Eurofins Ntd Llc (ga)
Classification: Uncertain significance. Last evaluated: 2017-05-03. Review status: criteria provided, single submitter. Criteria: EGL Classification Definitions 2015. Collection method: clinical testing. Allele origin: germline. Observed: 2 variant alleles, 2 heterozygotes.

Literature cited by the submitters: PubMed 20052759 (cited by Labcorp Genetics (formerly Invitae), Labcorp and Athena Diagnostics).

NM_201384.3(PLEC):c.10372C>T (p.Arg3458Trp)

Gene: PLEC (plectin; minus strand). Cytogenetic location: 8q24.3.
Variant type: single nucleotide variant.
Coding change: c.10372C>T on transcript NM_201384.3 (MANE Select); coding-DNA position 10372, C replaced by T.
Protein change: p.Arg3458Trp; replaces arginine 3458 with tryptophan.
Molecular consequence: missense variant.
Genome position (GRCh38, 1-based): chr8:143,919,449, G>A on the plus strand (C>T on the coding strand, the complement: PLEC is on the minus strand). VCF-style: chr8-143919449-G-A. GRCh37 (hg19) VCF-style: chr8-144993617-G-A.
Other names: c.10453C>T, p.Arg3485Trp (NM_000445.5); c.10330C>T, p.Arg3444Trp (NM_201378.4); c.10306C>T, p.Arg3436Trp (NM_201379.3); c.10783C>T, p.Arg3595Trp (NM_201380.4); c.10276C>T, p.Arg3426Trp (NM_201381.3); c.10372C>T, p.Arg3458Trp (NM_201382.4); c.10384C>T, p.Arg3462Trp (NM_201383.3); c.10453C>T (NM_000445.3); short protein forms R3595W, R3436W, R3462W, R3426W, R3444W, R3485W, R3458W.
Identifiers: ClinVar variation 282392 (VCV000282392.21), dbSNP rs571305150, ClinGen allele CA4924675.
Genomic context (GRCh38, chr8:143,919,449, plus strand): 5'-CGGGGTCGATGATGCCGCCCGTGGCGATCTGGGCCTCCAGCAGGCGGATGCCGTGCTGCC[G>A]GAGAACCAGGCCCTTCTGCATGGCCTGGAAGAGGGAGATGGTGCTGCCCGAGTAGGGGTC-3'
Protein context (NP_958786.1, residues 3448-3468): FQAMQKGLVL[Arg3458Trp]QHGIRLLEAQ